The following is an entry in ClinVar:

ClinVar aggregate classification (germline): Uncertain significance. Review status: criteria provided, multiple submitters, no conflicts (2 of 4 stars). 2 submissions from 2 submitters: Uncertain significance (2). Last evaluated 2023-01-10.

Allele frequency attached by ClinVar (database versions not stated): ESP Exome Variant Server 0.00008; ExAC 0.00009; gnomAD exomes 0.00011 and 0.00023; TOPMed 0.00014; gnomAD 0.00018 and 0.00019.

Submissions (2):

Ambry Genetics
Classification: Uncertain significance. Last evaluated: 2023-01-10. Review status: criteria provided, single submitter. Criteria: Ambry Variant Classification Scheme 2023. Collection method: clinical testing. Allele origin: germline.

Labcorp Genetics (formerly Invitae), Labcorp
Classification: Uncertain significance. Last evaluated: 2021-10-16. Review status: criteria provided, single submitter. Criteria: Invitae Variant Classification Sherloc (09022015). Collection method: clinical testing. Allele origin: germline.
Comment: This sequence change replaces methionine, a(n) neutral and non-polar amino acid, with threonine, a(n) neutral and polar amino acid, at codon 199 of the EXOC6B protein (p.Met199Thr). This variant is present in population databases (rs376655759, gnomAD 0.02%). This variant has not been reported in the literature in individuals affected with EXOC6B-related conditions. Experimental studies and prediction algorithms are not available or were not evaluated, and the functional significance of this variant is currently unknown. In summary, the available evidence is currently insufficient to determine the role of this variant in disease. Therefore, it has been classified as a Variant of Uncertain Significance.

NM_015189.3(EXOC6B):c.596T>C (p.Met199Thr)

Gene: EXOC6B (exocyst complex component 6B; minus strand). Cytogenetic location: 2p13.2.
Variant type: single nucleotide variant.
Coding change: c.596T>C on transcript NM_015189.3 (MANE Select); coding-DNA position 596, T replaced by C.
Protein change: p.Met199Thr; replaces methionine 199 with threonine.
Molecular consequence: missense variant. On other transcripts: non-coding transcript variant (2).
Genome position (GRCh38, 1-based): chr2:72,718,176, A>G on the plus strand (T>C on the coding strand, the complement: EXOC6B is on the minus strand). VCF-style: chr2-72718176-A-G. GRCh37 (hg19) VCF-style: chr2-72945305-A-G.
Other names: c.596T>C, p.Met199Thr (NM_001321729.2, NM_001321730.2, NM_001321731.2 and 1 more transcripts); c.257T>C, p.Met86Thr (NM_001321734.2); c.596T>C (NM_015189.1); short protein forms M86T, M199T.
Identifiers: ClinVar variation 1412678 (VCV001412678.4), dbSNP rs376655759, ClinGen allele CA1708706.